The following is an entry in ClinVar:

ClinVar aggregate classification (germline): Uncertain significance. Review status: reviewed by expert panel (3 of 4 stars). 7 submissions from 7 submitters: Uncertain significance (1). 6 of the submissions do not count toward it. Last evaluated 2022-09-19.

Conditions:
Glycogen storage disease, type II (IOPD). Also called: CARDIOMEGALIA GLYCOGENICA DIFFUSA; Glucosidase acid-1,4-alpha deficiency; Pompe Disease; GLYCOGENOSIS, GENERALIZED, CARDIAC FORM; GSD II; POMPE DISEASE, INFANTILE-ONSET. Identifiers: Orphanet 365, MedGen C0017921, MONDO:0009290, OMIM 232300.

Submissions (7):

ClinGen Lysosomal Storage Disorder Variant Curation Expert Panel
Classification: Uncertain significance for Glycogen storage disease, type II. Last evaluated: 2022-09-19. Review status: reviewed by expert panel. Criteria: clingen_lsd_acmg_specifications_v2-1. Collection method: curation. Allele origin: germline. Inheritance: Autosomal recessive inheritance.
Comment: The NM_000152.5:c.2132_2133delinsGG variant in GAA is a multinucleotide variant predicted to cause substitution of threonine by arginine at amino acid 711 (p.Thr711Arg). The same amino acid change, resulting from one of the two nucleotide changes observed in this multinucleotide variant, c.2132C>G, has been reported in a patient with Pompe disease (PMID: 20080426, 31342611). However, this other variant has conflicting evidence for pathogenicity based on guidelines by the ClinGen LSD VCEP (PMID: 18425781). The minor allele frequency of the c.2132C>G variant in gnomAD v2.1.1 is 0.001258 (23/18290 alleles) in the East Asian population, but was only seen in phase with c.2133A>G in 23 of the 24 heterozygotes reported in gnomAD v2.1.1. Therefore, the highest possible population minor allele frequency in gnomAD v2.1.1 is 0.001258 (23/18290 alleles) in the East Asian population (none of the population data codes are met). The computational predictors PROVEAN, Mutation Taster, and MutPredIndel suggest that this variant has a deleterious effect on the GAA gene, evidence that correlates with impact to GAA function (PP3). To our knowledge, the results of functional assays have not been reported for this variant. There is a ClinVar entry for this variant (Variation ID: 456391, 1 star review status) with 2 submitters, 1 submitter classifying the variant as likely pathogenic and 1 submitter classifying the variant as a variant of uncertain significance. In summary, this variant meets the criteria to be classified as a variant of uncertain significance for Pompe disease based on the ACMG/AMP criteria applied, as specified by the ClinGen Lysosomal Storage Disorders Variant Curation Expert panel (specifications Version 2.0): PP3.

Genomenon, Inc
Classification: Uncertain significance for Glycogen storage disease, type II. Last evaluated: 2026-07-01. Review status: criteria provided, single submitter. Criteria: Genomenon Sequence Variant Interpretation Standards - Updated. Collection method: curation. Allele origin: germline. Affected: no. Not counted in ClinVar's aggregate classification.
Comment: GAA p.Thr711Arg (c.2132_2133delinsGG) is a deletion-insertion variant that changes the amino acid at codon 711 from Threonine to Arginine. This variant has been reported in the published literature (PMID:40355959). In silico models predict that this variant is possibly or probably damaging. In conclusion, we classify GAA p.Thr711Arg (c.2132_2133delinsGG) as a variant of uncertain significance.

Labcorp Genetics (formerly Invitae), Labcorp
Classification: Likely pathogenic for Glycogen storage disease, type II. Last evaluated: 2026-01-24. Review status: criteria provided, single submitter. Criteria: Invitae Variant Classification Sherloc (09022015). Collection method: clinical testing. Allele origin: germline. Not counted in ClinVar's aggregate classification.
Comment: This sequence change replaces threonine, which is neutral and polar, with arginine, which is basic and polar, at codon 711 of the GAA protein (p.Thr711Arg). This variant is present in population databases (no rsID available, gnomAD 0.009%). A different variant (c.2132C>G) giving rise to the same protein effect has been determined to be pathogenic (PMID: 18211760, 23884227, 28394184). This suggests that this variant is also likely to be causative of disease. ClinVar contains an entry for this variant (Variation ID: 456391). An algorithm developed to predict the effect of missense changes on protein structure and function (PolyPhen-2) suggests that this variant is likely to be disruptive. In summary, the currently available evidence indicates that the variant is pathogenic, but additional data are needed to prove that conclusively. Therefore, this variant has been classified as Likely Pathogenic.

Natera, Inc.
Classification: Likely pathogenic for Glycogen storage disease type II. Last evaluated: 2025-09-15. Review status: criteria provided, single submitter. Criteria: Natera Variant Classification Schema (03/2026). Collection method: clinical testing. Allele origin: germline. Not counted in ClinVar's aggregate classification.
Comment: The c.2132_2133delCAinsGG variant in GAA is a deletion-insertion (delins) variant predicted to replace one or more nucleotides with a different sequence. This variant is rare in the general population with a frequency below the threshold expected for the associated phenotype(s). This variant has been observed in one or more individuals affected with the associated recessive disease, as either homozygous or compound heterozygous with a second variant (PMID: 39472949). Another variant at this same site results in an alteration predicted to cause a similar molecular effect has been observed in individual(s) with the associated phenotype. Computational prediction algorithms indicate this variant is likely to affect gene or protein function. Given the available evidence, this variant is classified as Likely Pathogenic.

Women's Health and Genetics/Laboratory Corporation of America, LabCorp
Classification: Uncertain significance. Last evaluated: 2025-04-23. Review status: criteria provided, single submitter. Criteria: LabCorp Variant Classification Summary - May 2015. Collection method: clinical testing. Allele origin: germline. Not counted in ClinVar's aggregate classification.
Comment: Variant summary: GAA c.2132_2133delinsGG (p.Thr711Arg) results in a non-conservative amino acid change in the encoded protein sequence. Three of five in-silico tools predict a damaging effect of the variant on protein function. The variant was absent in 1599714 control chromosomes. The available data on variant occurrences in the general population are insufficient to allow any conclusion about variant significance. To our knowledge, no occurrence of c.2132_2133delinsGG in individuals affected with Glycogen Storage Disease, Type 2 (Pompe Disease) and no experimental evidence demonstrating its impact on protein function have been reported. A different variant, c.2132C>G resulting in the same amino acid change has been reported in at least three compound heterozygous individuals with Glycogen Storage Disease, Type 2 (Pompe Disease) (PMID: 18211760, 23884227, 28394184), but cannot be classified as pathogenic. ClinVar contains an entry for this variant (Variation ID: 456391). Based on the evidence outlined above, the variant was classified as uncertain significance.

New York Genome Center
Classification: Uncertain significance for Glycogen storage disease, type II. Last evaluated: 2024-08-19. Review status: criteria provided, single submitter. Criteria: NYGC Assertion Criteria 2020. Collection method: clinical testing. Allele origin: inherited. Observed: 1 variant allele, 1 compound heterozygote. Not counted in ClinVar's aggregate classification.
Comment: The inherited c.2132_2133delinsGG is an insertion-deletion (indel) variant leading to deletion of two nucleotides (CA) and insertion of two nucleotides (GG), predicted to lead to an in-frame substitution of a well conserved Threonine for Arginine (p.(Thr711Arg)) within exon 15/20. This variant has been curated by the Lysosomal Storage Disorders Variant Curation Expert Panel as a Variant of Uncertain Significance (VarID:456391). A c.2132C>G single nucleotide variant leading to the same p.(Thr711Arg) amino acid change has also been deposited to ClinVar as a Variant of Uncertain Significance (n=3), and Likely Benign (n=1) (VarID:381006). In population database gnomADv4.1.0, the c.2132_2133delinsGG variant is annotated as independent variants c.2132C>G p.(Thr711Arg) and c.2133A>G ((p.Thr711=)), however visual inspection of the gnomAD data suggests that the allele frequency for the c.2132C>G variant represents the c.2132_2133delinsGG variant, as it is almost always found in cis with the synonymous variant (VarID:456391; gnomADv4.1.0). The allele frequency for this variant in East Asian populations is 0.12% (54 heterozygotes, 0 homozygote), which is higher than expected for a disease associated variant as specified by the GAA variant curation specifications created by the Lysosomal Storage Disorders Variant Curation Expert Panel. The p.(Thr711Arg) variant has been reported in several individuals in the literature with clinical and biochemical evidence of Pompe disease in trans with a second GAA variant [PMID:23884227, 28394184,18211760], however it is unclear if the nucleotide change in the reported individuals in the literature is the isolated c.2132C>G, or the c.2132_2133delinsGG variant although data from at least one publication suggests the individual may harbor the c.2132_2133delinsGG variant [Kim (2009) J Genet Med 6: 161, also reported in [PMID:23884277]]. The p.(Thr711Arg) variant has also been reported in other individuals flagged during newborn screening for Pompe but with no additional follow-up or confirmatory studies available, and no information regarding a second variant in GAA [PMID:20080426]. While in silico algorithms predict a damaging effect for the p.(Thr711Arg) variant (REVEL=0.908), functional studies using site directed mutagenesis in an in vitro system suggests that the c.2132C>G variant does not have a significant impact on protein quantity, quality, or enzyme activity when compared to wildtype, and is therefore considered non-pathogenic [PMID:22644586]. Splicing algorithm, SpliceAI, suggests that the c.2132_2133delinsGG variant may have an effect on splicing (acceptor gain, delta score=0.22) which would not have been assessed in the in vitro study [PMID:22644586], however targeted RNA sequencing studies performed on RNA extracted from a blood sample of a carrier of this variant did not detect significant alterations of splicing of the GAA transcript. Examination of single nucleotide polymorphisms present in the GAA transcripts of this individual also suggest biallelic expression of GAA, and no indication of nonsense mediated decay of the variant allele. Given the available evidence this inherited heterozygous c.2132_2133delinsGG, p.(Thr711Arg) variant identified in the GAA gene is reported as a Variant of Uncertain Significance.

Mayo Clinic Laboratories, Mayo Clinic
Classification: Uncertain significance. Last evaluated: 2021-01-12. Review status: criteria provided, single submitter. Criteria: ACMG Guidelines, 2015. Collection method: clinical testing. Allele origin: germline. Observed: 1 variant allele. Not counted in ClinVar's aggregate classification.

Literature cited by the submitters: PubMed 40355959 (cited by Genomenon, Inc); PubMed 18211760 (cited by Labcorp Genetics (formerly Invitae), Labcorp); PubMed 23884227 (cited by Labcorp Genetics (formerly Invitae), Labcorp); PubMed 28394184 (cited by Labcorp Genetics (formerly Invitae), Labcorp); PubMed 39472949 (cited by Natera, Inc.).

NM_000152.5(GAA):c.2132_2133delinsGG (p.Thr711Arg)

Gene: GAA (alpha glucosidase; plus strand). Cytogenetic location: 17q25.3.
Variant type: Indel.
Coding change: c.2132_2133delinsGG on transcript NM_000152.5 (MANE Select); coding-DNA positions 2132 to 2133, CA replaced by GG.
Protein change: p.Thr711Arg; replaces threonine 711 with arginine.
Molecular consequence: missense variant.
Genome position (GRCh38, 1-based): chr17:80,113,309-80,113,310, CA replaced by GG. VCF-style: chr17-80113309-CA-GG. GRCh37 (hg19) VCF-style: chr17-78087108-CA-GG.
Other names: NM_000152.5(GAA):c.2132_2133delinsGG; c.2132_2133delinsGG, p.Thr711Arg (NM_001079803.3, NM_001079804.3); c.2132_2133delinsGG (NM_000152.3); c.2132_2133delCAinsGG (NM_000152.4, LRG_673t1); short protein forms T711R.
Identifiers: ClinVar variation 456391 (VCV000456391.20), dbSNP rs1555601773, ClinGen allele CA658658713.